The following is an entry in ClinVar:

NM_000128.4(F11):c.1724C>T (p.Ser575Leu)

Genes: F11 (coagulation factor XI; plus strand), F11-AS1 (F11 antisense RNA 1; minus strand). Cytogenetic location: 4q35.2.
Variant type: single nucleotide variant.
Coding change: c.1724C>T on transcript NM_000128.4 (MANE Select); coding-DNA position 1724, C replaced by T.
Protein change: p.Ser575Leu; replaces serine 575 with leucine.
Molecular consequence: missense variant. On other transcripts: non-coding transcript variant (1).
Genome position (GRCh38, 1-based): chr4:186,288,460, C>T. VCF-style: chr4-186288460-C-T. GRCh37 (hg19) VCF-style: chr4-187209614-C-T.
Other names: short protein forms S575L.
Identifiers: ClinVar variation 68187 (VCV000068187.3), dbSNP rs281875250, ClinGen allele CA219128.

ClinVar aggregate classification (germline): Conflicting classifications of pathogenicity. Review status: criteria provided, conflicting classifications (1 of 4 stars). 4 submissions from 4 submitters: Likely pathogenic (2); Uncertain significance (1). 1 of the submissions does not count toward it. Last evaluated 2026-05-26.

Conditions:
Hereditary factor XI deficiency disease. Also called: PLASMA THROMBOPLASTIN ANTECEDENT DEFICIENCY; PTA DEFICIENCY; ROSENTHAL SYNDROME; Congenital factor XI deficiency. Identifiers: Orphanet 329, MedGen C0015523, MeSH D005173, MONDO:0012897, OMIM 612416.

Allele frequency attached by ClinVar (database versions not stated): TOPMed below 0.00001; gnomAD 0.00001.

Submissions (4):

Myriad Genetics, Inc.
Classification: Uncertain significance for Hereditary factor XI deficiency disease. Last evaluated: 2026-05-26. Review status: criteria provided, single submitter. Criteria: Myriad Autosomal Dominant, Autosomal Recessive and X-Linked Classification Criteria (2023). Collection method: clinical testing. Allele origin: unknown.
Comment: NM_000128.3(F11):c.1724C>T(S575L) is a missense variant classified as a variant of uncertain significance in the context of factor XI deficiency. S575L has been observed in cases with relevant disease (PMID: 22159456, 33477601). Relevant functional assessments of this variant are not available in the literature. S575L has not been observed in referenced population frequency databases. In summary, there is insufficient evidence to classify NM_000128.3(F11):c.1724C>T(S575L) as pathogenic or benign. Please note: this variant was assessed in the context of healthy population screening.

Women's Health and Genetics/Laboratory Corporation of America, LabCorp
Classification: Likely pathogenic for Hereditary factor XI deficiency disease. Last evaluated: 2024-05-14. Review status: criteria provided, single submitter. Criteria: LabCorp Variant Classification Summary - May 2015. Collection method: clinical testing. Allele origin: germline.
Comment: Variant summary: F11 c.1724C>T (p.Ser575Leu) results in a non-conservative amino acid change located in the trypsin domain (IPR001254), affecting the serine active site (IPR033116) of the encoded protein sequence. Five of five in-silico tools predict a damaging effect of the variant on protein function. The variant was absent in 251412 control chromosomes (gnomAD). c.1724C>T has been reported in the literature in individuals affected with Hereditary factor XI deficiency disease (e.g. Gueguen_2012, Preisler_2021), where heterozygous individuals had moderate F11 deficiency, while a reported homozygous individual had severe F11 deficiency. These data indicate that the variant is likely to be associated with disease. To our knowledge, no experimental evidence demonstrating an impact on protein function has been reported. The following publications have been ascertained in the context of this evaluation (PMID: 33477601, 22159456). ClinVar contains an entry for this variant (Variation ID: 68187). Based on the evidence outlined above, the variant was classified as likely pathogenic.

Knight Diagnostic Laboratories, Oregon Health and Sciences University
Classification: Likely pathogenic for Hereditary factor XI deficiency disease. Last evaluated: 2016-03-30. Review status: criteria provided, single submitter. Criteria: ACMG Guidelines, 2015. Collection method: clinical testing. Allele origin: germline. Affected: no. Study: CSER-NextGen.
Comment: The c.1724C>T (p.Ser575Leu) missense variant in the F11 gene has been previously reported in three unrelated individuals affected with CRM+ Factor XI deficiency. Consistent with the CRM+ type Factor XI deficiency, these individuals had reduced coagulation activity but normal antigen levels (FXI:Ag = 60-86 UI/dL) indicating there was normal level of protein present in the plasma, but reduced enzyme function (GuÃ©guen et al., 2012). The individual who was homozygous for this variant had lower coagulation activity (FXI C:1 UI/dL) compared with the two individuals who were heterozygous for this variant (FXI C: 28 UI/dL and 38 UI/dL respectively; normal range 70-15 IU/dL). The c.1724C>T (p.Ser575Leu) variant is located in the active site of the FXI protein, which would be predicted to inhibit the serine protease function of the protein. This variant is absent from the population databases (Exome Sequencing Project; 1000 Genomes; ExAC). Multiple in silico algorithms predict a deleterious effect (GERP = 5.05; CADD = 16.48; PolyPhen = 1.0; SIFT = 0). Therefore, this collective evidence supports the classification of the c.1724C>T (p.Ser575Leu) as a Likely pathogenic variant for Factor XI Deficiency.

UniProtKB/Swiss-Prot
No classification provided. Review status: no classification provided. Collection method: not provided. Allele origin: not provided. Not counted in ClinVar's aggregate classification.

Literature cited by the submitters: PubMed 22159456 (cited by Myriad Genetics, Inc. and Women's Health and Genetics/Laboratory Corporation of America, LabCorp); PubMed 33477601 (cited by Myriad Genetics, Inc. and Women's Health and Genetics/Laboratory Corporation of America, LabCorp).